The following is an entry in ClinVar:

ClinVar aggregate classification (germline): Uncertain significance (1 of 4 stars; one submission).

Allele frequency attached by ClinVar (database versions not stated): gnomAD 0.00001; TOPMed 0.00001.

Submission:

Labcorp Genetics (formerly Invitae), Labcorp
Classification: Uncertain significance. Last evaluated: 2023-08-31. Review status: criteria provided, single submitter. Criteria: Invitae Variant Classification Sherloc (09022015). Collection method: clinical testing. Allele origin: germline.
Comment: This sequence change replaces serine, which is neutral and polar, with phenylalanine, which is neutral and non-polar, at codon 354 of the RELA protein (p.Ser354Phe). This variant is present in population databases (no rsID available, gnomAD 0.005%). This variant has not been reported in the literature in individuals affected with RELA-related conditions. An algorithm developed to predict the effect of missense changes on protein structure and function (PolyPhen-2) suggests that this variant¬†is likely to be tolerated. In summary, the available evidence is currently insufficient to determine the role of this variant in disease. Therefore, it has been classified as a Variant of Uncertain Significance.

NM_021975.4(RELA):c.1061C>T (p.Ser354Phe)

Gene: RELA (RELA proto-oncogene, NF-kB subunit; minus strand). Cytogenetic location: 11q13.1.
Variant type: single nucleotide variant.
Coding change: c.1061C>T on transcript NM_021975.4 (MANE Select); coding-DNA position 1061, C replaced by T.
Protein change: p.Ser354Phe; replaces serine 354 with phenylalanine.
Molecular consequence: missense variant. On other transcripts: intron variant (1).
Genome position (GRCh38, 1-based): chr11:65,654,973, G>A on the plus strand (C>T on the coding strand, the complement: RELA is on the minus strand). VCF-style: chr11-65654973-G-A. GRCh37 (hg19) VCF-style: chr11-65422444-G-A.
Other names: c.1052C>T, p.Ser351Phe (NM_001145138.2); c.1061C>T, p.Ser354Phe (NM_001243985.2); c.1094C>T, p.Ser365Phe (NM_001404657.1); c.1034C>T, p.Ser345Phe (NM_001404658.1); c.848C>T, p.Ser283Phe (NM_001404659.1); c.743C>T, p.Ser248Phe (NM_001404660.1); c.680C>T, p.Ser227Phe (NM_001404661.1); c.968C>T, p.Ser323Phe (NM_001404662.1, NM_001404663.1); and 1 more; short protein forms S354F, S365F, S248F, S227F, S323F, S345F, S283F, S351F.
Identifiers: ClinVar variation 2796406 (VCV002796406.1), dbSNP rs1347094026, ClinGen allele CA381388329.